The following continues an entry in ClinVar:

NM_000179.3(MSH6):c.1019T>C (p.Phe340Ser)

Gene: MSH6. ClinVar aggregate classification (germline): Likely benign. Likely benign (1).

Submissions 11 to 15 of 15:

GeneDx
Classification: Likely benign. Last evaluated: 2021-04-07. Review status: criteria provided, single submitter. Criteria: GeneDx Variant Classification Process June 2021. Collection method: clinical testing. Allele origin: germline. Affected: yes. Not counted in ClinVar's aggregate classification.
Comment: In silico analysis supports that this missense variant does not alter protein structure/function; Observed in individuals with colorectal and other cancers (Plaschke 2000); This variant is associated with the following publications: (PMID: 32926152, 22290698, 10699937, 22949379, 23621914, 11900875, 30212499, 32694065, 31965077)

Mendelics
Classification: Benign for Lynch syndrome 5. Last evaluated: 2019-05-28. Review status: criteria provided, single submitter. Criteria: Mendelics Assertion Criteria 2017. Collection method: clinical testing. Allele origin: unknown. Not counted in ClinVar's aggregate classification.

Ambry Genetics
Classification: Likely benign for Hereditary cancer-predisposing syndrome. Last evaluated: 2018-05-03. Review status: criteria provided, single submitter. Criteria: Ambry Variant Classification Scheme 2023. Collection method: clinical testing. Allele origin: germline. Not counted in ClinVar's aggregate classification.

Illumina Laboratory Services, Illumina
Classification: Uncertain significance for Lynch syndrome 5. Last evaluated: 2017-04-28. Review status: criteria provided, single submitter. Criteria: ICSL Variant Classification Criteria 13 December 2019. Collection method: clinical testing. Allele origin: germline. Not counted in ClinVar's aggregate classification.
Comment: This variant was observed as part of a predisposition screen in an ostensibly healthy population. A literature search was performed for the gene, cDNA change, and amino acid change (where applicable). Publications were found based on this search. However, the evidence from the literature, in combination with allele frequency data from public databases where available, was not sufficient to rule this variant in or out of causing disease. Therefore, this variant is classified as a variant of unknown significance.

Laboratory for Molecular Medicine, Mass General Brigham Personalized Medicine
Classification: Uncertain significance. Last evaluated: 2016-08-12. Review status: criteria provided, single submitter. Criteria: LMM Criteria. Collection method: clinical testing. Allele origin: germline. Not counted in ClinVar's aggregate classification.
Comment: Variant identified in a genome or exome case(s) and assessed due to predicted null impact of the variant or pathogenic assertions in the literature or databases. Disclaimer: This variant has not undergone full assessment. The following are preliminary notes: ClinVar: Classified as LB by expert panel in 2013; 2 VUS (GeneDx and Invitae)

Literature cited by the submitters: PubMed 22290698 (cited by 3 submitters); PubMed 10699937 (cited by 5 submitters); PubMed 22949379 (cited by 3 submitters); PubMed 23621914 (cited by Quest Diagnostics Nichols Institute San Juan Capistrano and Illumina Laboratory Services, Illumina); PubMed 29596542 (cited by Quest Diagnostics Nichols Institute San Juan Capistrano); PubMed 31965077 (cited by Quest Diagnostics Nichols Institute San Juan Capistrano and Women's Health and Genetics/Laboratory Corporation of America, LabCorp); PubMed 33471991 (cited by 3 submitters); PubMed 34326862 (cited by Quest Diagnostics Nichols Institute San Juan Capistrano); PubMed 32694065 (cited by 4 submitters); PubMed 27363726 (cited by Myriad Genetics, Inc.).